The following is an entry in ClinVar:

GRCh37/hg19 Xp22.33(chrX:168546-1922907)x0

Variant type: copy number loss.
Change: copy number 0 of chrX:168,546-1,922,907 (1.75 Mb, GRCh37 coordinates, 1-based), cytogenetic band Xp22.33.
Identifiers: ClinVar variation 1340030 (VCV001340030.1).

ClinVar aggregate classification (germline): Pathogenic (0 of 4 stars; one submission).

Submission:

Quest Diagnostics Nichols Institute San Juan Capistrano
Classification: Pathogenic. Last evaluated: 2021-03-01. Review status: no assertion criteria provided. Collection method: clinical testing. Allele origin: germline.
Comment: The microdeletion at Xp22.33 (pseudoautosomal region 1; PAR1) involves the short stature homeobox gene (SHOX; OMIM 312865) and its enhancer. The phenotypic spectrum of SHOX deficiency disorders, caused by haploinsufficiency of the SHOX gene, ranges from Leri-Weill dyschondrosteosis (LWD; OMIM #127300) at the severe end of the spectrum to idiopathic familial short stature (#300582) at the mild end of the spectrum. The phenotype of short stature caused by SHOX deficiency (in the absence of mesomelia and Madelung deformity) is highly variable, even within the same family (GeneReviews). The classic clinical triad in LWD is short stature, mesomelia, and Madelung deformity. The penetrance of SHOX deficiency is high, but its clinical expression is highly variable, becoming more pronounced with age. Most cases with SHOX haploinsufficiency are familial. However, the family history of some individuals diagnosed with SHOX deficiency may appear to be negative because of failure to recognize the disorder in family members.